The following is an entry in ClinVar:

NM_005591.4(MRE11):c.2065A>C (p.Ser689Arg)

Gene: MRE11 (MRE11 double strand break repair nuclease; minus strand). Cytogenetic location: 11q21.
Variant type: single nucleotide variant.
Coding change: c.2065A>C on transcript NM_005591.4 (MANE Select); coding-DNA position 2065, A replaced by C.
Protein change: p.Ser689Arg; replaces serine 689 with arginine.
Molecular consequence: missense variant.
Genome position (GRCh38, 1-based): chr11:94,429,916, T>G on the plus strand (A>C on the coding strand, the complement: MRE11 is on the minus strand). VCF-style: chr11-94429916-T-G. GRCh37 (hg19) VCF-style: chr11-94163082-T-G.
Other names: c.2062A>C, p.Ser688Arg (NM_001330347.2); c.1981A>C, p.Ser661Arg (NM_005590.4); short protein forms S688R, S689R, S661R.
Identifiers: ClinVar variation 652829 (VCV000652829.6), dbSNP rs1591633806, ClinGen allele CA382373440.

ClinVar aggregate classification (germline): Uncertain significance. Review status: criteria provided, multiple submitters, no conflicts (2 of 4 stars). 2 submissions from 2 submitters: Uncertain significance (2). Last evaluated 2024-01-30.

Conditions:
Hereditary cancer-predisposing syndrome. Also called: Neoplastic Syndromes, Hereditary; Tumor predisposition; Hereditary Cancer Syndrome; Hereditary neoplastic syndrome. Identifiers: Orphanet 140162, MedGen C0027672, MeSH D009386, MONDO:0015356.
Ataxia-telangiectasia-like disorder (ATLD). Identifiers: MedGen C1858391, MONDO:0011457.

gnomAD v4.1: 3 of 1,612,802 alleles (0.00019%); highest among the groups gnomAD compares: South Asian, 0.0011%; no homozygotes.

Submissions (2):

Ambry Genetics
Classification: Uncertain significance for Hereditary cancer-predisposing syndrome. Last evaluated: 2024-01-30. Review status: criteria provided, single submitter. Criteria: Ambry Variant Classification Scheme 2023. Collection method: clinical testing. Allele origin: germline.
Comment: The p.S689R variant (also known as c.2065A>C), located in coding exon 18 of the MRE11A gene, results from an A to C substitution at nucleotide position 2065. The serine at codon 689 is replaced by arginine, an amino acid with dissimilar properties. This amino acid position is conserved. In addition, this alteration is predicted to be tolerated by in silico analysis. Based on the available evidence, the clinical significance of this alteration remains unclear.

Labcorp Genetics (formerly Invitae), Labcorp
Classification: Uncertain significance for Ataxia-telangiectasia-like disorder. Last evaluated: 2021-08-30. Review status: criteria provided, single submitter. Criteria: Invitae Variant Classification Sherloc (09022015). Collection method: clinical testing. Allele origin: germline.
Comment: This sequence change replaces serine with arginine at codon 689 of the MRE11 protein (p.Ser689Arg). The serine residue is weakly conserved and there is a moderate physicochemical difference between serine and arginine. This variant is not present in population databases (ExAC no frequency). This variant has not been reported in the literature in individuals affected with MRE11-related conditions. Algorithms developed to predict the effect of missense changes on protein structure and function are either unavailable or do not agree on the potential impact of this missense change (SIFT: "Deleterious"; PolyPhen-2: "Benign"; Align-GVGD: "Class C0"). In summary, the available evidence is currently insufficient to determine the role of this variant in disease. Therefore, it has been classified as a Variant of Uncertain Significance.